The following is an entry in ClinVar:

NM_001382.4(DPAGT1):c.466C>A (p.Arg156Ser)

Gene: DPAGT1 (dolichyl-phosphate N-acetylglucosaminephosphotransferase 1; minus strand). Cytogenetic location: 11q23.3.
Variant type: single nucleotide variant.
Coding change: c.466C>A on transcript NM_001382.4 (MANE Select); coding-DNA position 466, C replaced by A.
Protein change: p.Arg156Ser; replaces arginine 156 with serine.
Molecular consequence: missense variant.
Genome position (GRCh38, 1-based): chr11:119,100,660, G>T on the plus strand (C>A on the coding strand, the complement: DPAGT1 is on the minus strand). VCF-style: chr11-119100660-G-T. GRCh37 (hg19) VCF-style: chr11-118971370-G-T.
Other names: short protein forms R156S.
Identifiers: ClinVar variation 2007286 (VCV002007286.4), dbSNP rs762796464, ClinGen allele CA382914968.

ClinVar aggregate classification (germline): Uncertain significance (1 of 4 stars; one submission).

Conditions:
Congenital myasthenic syndrome 13 (CMS13). Also called: Myasthenic syndrome, congenital, with tubular aggregates 2; Myasthenic syndrome, congenital, 13, with tubular aggregates. Identifiers: Orphanet 353327, Orphanet 590, MedGen C3553645, MONDO:0013883, OMIM 614750.
DPAGT1-congenital disorder of glycosylation. Also called: DPAGT1-CDG; CONGENITAL DISORDER OF GLYCOSYLATION, TYPE Ij; CDG Ij. Identifiers: Orphanet 86309, MedGen C2931004, MONDO:0011964, OMIM 608093.

Submission:

Labcorp Genetics (formerly Invitae), Labcorp
Classification: Uncertain significance for Congenital myasthenic syndrome 13; DPAGT1-congenital disorder of glycosylation. Last evaluated: 2022-06-15. Review status: criteria provided, single submitter. Criteria: Invitae Variant Classification Sherloc (09022015). Collection method: clinical testing. Allele origin: germline.
Comment: This sequence change replaces arginine, which is basic and polar, with serine, which is neutral and polar, at codon 156 of the DPAGT1 protein (p.Arg156Ser). In summary, the available evidence is currently insufficient to determine the role of this variant in disease. Therefore, it has been classified as a Variant of Uncertain Significance. Algorithms developed to predict the effect of missense changes on protein structure and function (SIFT, PolyPhen-2, Align-GVGD) all suggest that this variant is likely to be disruptive. This variant has not been reported in the literature in individuals affected with DPAGT1-related conditions. This variant is not present in population databases (gnomAD no frequency).